The following is an entry in ClinVar:

NM_198859.4(PRICKLE2):c.1310C>T (p.Ala437Val)

Gene: PRICKLE2 (prickle planar cell polarity protein 2; minus strand). Cytogenetic location: 3p14.1.
Variant type: single nucleotide variant.
Coding change: c.1310C>T on transcript NM_198859.4 (MANE Select); coding-DNA position 1310, C replaced by T.
Protein change: p.Ala437Val; replaces alanine 437 with valine.
Molecular consequence: missense variant.
Genome position (GRCh38, 1-based): chr3:64,147,180, G>A on the plus strand (C>T on the coding strand, the complement: PRICKLE2 is on the minus strand). VCF-style: chr3-64147180-G-A. GRCh37 (hg19) VCF-style: chr3-64132856-G-A.
Other names: c.1310C>T, p.Ala437Val (NM_001370528.1); short protein forms A437V.
Identifiers: ClinVar variation 1038250 (VCV001038250.2), dbSNP rs769254046, ClinGen allele CA2479657.

ClinVar aggregate classification (germline): Uncertain significance (1 of 4 stars; one submission).

Conditions:
Progressive myoclonic epilepsy type 5. Identifiers: Orphanet 402082, MedGen C5190799.

Allele frequency attached by ClinVar (database versions not stated): TOPMed below 0.00001; ExAC 0.00005.
gnomAD v4.1: 9 of 1,613,812 alleles (0.00056%); highest among the groups gnomAD compares: South Asian, 0.0066%; no homozygotes.

Submission:

Labcorp Genetics (formerly Invitae), Labcorp
Classification: Uncertain significance for Progressive myoclonic epilepsy type 5. Last evaluated: 2021-09-08. Review status: criteria provided, single submitter. Criteria: Invitae Variant Classification Sherloc (09022015). Collection method: clinical testing. Allele origin: germline.
Comment: This sequence change replaces alanine with valine at codon 437 of the PRICKLE2 protein (p.Ala437Val). The alanine residue is highly conserved and there is a small physicochemical difference between alanine and valine. This variant is present in population databases (rs769254046, ExAC 0.03%). This variant has not been reported in the literature in individuals affected with PRICKLE2-related conditions. Algorithms developed to predict the effect of missense changes on protein structure and function are either unavailable or do not agree on the potential impact of this missense change (SIFT: "Deleterious"; PolyPhen-2: "Benign"; Align-GVGD: "Class C0"). In summary, the available evidence is currently insufficient to determine the role of this variant in disease. Therefore, it has been classified as a Variant of Uncertain Significance.